The following is an entry in ClinVar:

NM_004239.4(TRIP11):c.2433C>A (p.Asn811Lys)

Gene: TRIP11 (thyroid hormone receptor interactor 11; minus strand). Cytogenetic location: 14q32.12.
Variant type: single nucleotide variant.
Coding change: c.2433C>A on transcript NM_004239.4 (MANE Select); coding-DNA position 2433, C replaced by A.
Protein change: p.Asn811Lys; replaces asparagine 811 with lysine.
Molecular consequence: missense variant.
Genome position (GRCh38, 1-based): chr14:92,005,543, G>T on the plus strand (C>A on the coding strand, the complement: TRIP11 is on the minus strand). VCF-style: chr14-92005543-G-T. GRCh37 (hg19) VCF-style: chr14-92471887-G-T.
Other names: c.2430C>A, p.Asn810Lys (NM_001321851.1); short protein forms N810K, N811K.
Identifiers: ClinVar variation 1496719 (VCV001496719.8), dbSNP rs2140118782, ClinGen allele CA390657591.

ClinVar aggregate classification (germline): Uncertain significance (1 of 4 stars; one submission).

Conditions:
Achondrogenesis, type IA (ACG1A). Identifiers: Orphanet 932, Orphanet 93299, MedGen C0265273, MONDO:0008701, OMIM 200600.

Submission:

Labcorp Genetics (formerly Invitae), Labcorp
Classification: Uncertain significance for Achondrogenesis, type IA. Last evaluated: 2022-08-16. Review status: criteria provided, single submitter. Criteria: Invitae Variant Classification Sherloc (09022015). Collection method: clinical testing. Allele origin: germline.
Comment: In summary, the available evidence is currently insufficient to determine the role of this variant in disease. Therefore, it has been classified as a Variant of Uncertain Significance. Algorithms developed to predict the effect of missense changes on protein structure and function output the following: SIFT: "Not Available"; PolyPhen-2: "Benign"; Align-GVGD: "Not Available". The lysine amino acid residue is found in multiple mammalian species, which suggests that this missense change does not adversely affect protein function. ClinVar contains an entry for this variant (Variation ID: 1496719). This variant has not been reported in the literature in individuals affected with TRIP11-related conditions. This variant is not present in population databases (gnomAD no frequency). This sequence change replaces asparagine with lysine at codon 811 of the TRIP11 protein (p.Asn811Lys). The asparagine residue is weakly conserved and there is a moderate physicochemical difference between asparagine and lysine.